The following is an entry in ClinVar:

NM_006904.7(PRKDC):c.11725G>A (p.Ala3909Thr)

Gene: PRKDC (protein kinase, DNA-activated, catalytic subunit; minus strand). Cytogenetic location: 8q11.21.
Variant type: single nucleotide variant.
Coding change: c.11725G>A on transcript NM_006904.7 (MANE Select); coding-DNA position 11725, G replaced by A.
Protein change: p.Ala3909Thr; replaces alanine 3909 with threonine.
Molecular consequence: missense variant.
Genome position (GRCh38, 1-based): chr8:47,778,587, C>T on the plus strand (G>A on the coding strand, the complement: PRKDC is on the minus strand). VCF-style: chr8-47778587-C-T. GRCh37 (hg19) VCF-style: chr8-48691148-C-T.
Other names: c.11632G>A, p.Ala3878Thr (NM_001081640.2); short protein forms A3878T, A3909T.
Identifiers: ClinVar variation 1494369 (VCV001494369.3), dbSNP rs772079669, ClinGen allele CA4739000.

ClinVar aggregate classification (germline): Uncertain significance (1 of 4 stars; one submission).

Conditions:
Severe combined immunodeficiency due to DNA-PKcs deficiency. Also called: IMMUNODEFICIENCY 26 WITH NEUROLOGIC ABNORMALITIES; Immunodeficiency 26 with or without neurologic abnormalities. Identifiers: Orphanet 317425, MedGen C4014833, MONDO:0014423, OMIM 615966.

Allele frequency attached by ClinVar (database versions not stated): gnomAD 0.00001; gnomAD exomes 0.00002; TOPMed 0.00002; ExAC 0.00003.
gnomAD v4.1: 50 of 1,613,584 alleles (0.0031%); highest among the groups gnomAD compares: East Asian, 0.0045%; no homozygotes.

Submission:

Labcorp Genetics (formerly Invitae), Labcorp
Classification: Uncertain significance for Severe combined immunodeficiency due to DNA-PKcs deficiency. Last evaluated: 2022-05-12. Review status: criteria provided, single submitter. Criteria: Invitae Variant Classification Sherloc (09022015). Collection method: clinical testing. Allele origin: germline.
Comment: This sequence change replaces alanine, which is neutral and non-polar, with threonine, which is neutral and polar, at codon 3909 of the PRKDC protein (p.Ala3909Thr). This variant is present in population databases (rs772079669, gnomAD 0.01%). This variant has not been reported in the literature in individuals affected with PRKDC-related conditions. Experimental studies and prediction algorithms are not available or were not evaluated, and the functional significance of this variant is currently unknown. In summary, the available evidence is currently insufficient to determine the role of this variant in disease. Therefore, it has been classified as a Variant of Uncertain Significance.